The following is an entry in ClinVar:

ClinVar aggregate classification (germline): Uncertain significance (1 of 4 stars; one submission).

Conditions:
Developmental and epileptic encephalopathy 94 (DEE94). Also called: Epileptic encephalopathy, childhood-onset; CHD2-Related Neurodevelopmental Disorders. Identifiers: Orphanet 1942, Orphanet 2382, MedGen C3809278, MONDO:0014150, OMIM 615369.

Submission:

Labcorp Genetics (formerly Invitae), Labcorp
Classification: Uncertain significance for Developmental and epileptic encephalopathy 94. Last evaluated: 2024-02-17. Review status: criteria provided, single submitter. Criteria: Invitae Variant Classification Sherloc (09022015). Collection method: clinical testing. Allele origin: germline.
Comment: This sequence change replaces leucine, which is neutral and non-polar, with proline, which is neutral and non-polar, at codon 837 of the CHD2 protein (p.Leu837Pro). This variant is not present in population databases (gnomAD no frequency). This variant has not been reported in the literature in individuals affected with CHD2-related conditions. ClinVar contains an entry for this variant (Variation ID: 1495354). Advanced modeling of protein sequence and biophysical properties (such as structural, functional, and spatial information, amino acid conservation, physicochemical variation, residue mobility, and thermodynamic stability) performed at Invitae indicates that this missense variant is expected to disrupt CHD2 protein function with a positive predictive value of 95%. In summary, the available evidence is currently insufficient to determine the role of this variant in disease. Therefore, it has been classified as a Variant of Uncertain Significance.

NM_001271.4(CHD2):c.2510T>C (p.Leu837Pro)

Gene: CHD2 (chromodomain helicase DNA binding protein 2; plus strand). Cytogenetic location: 15q26.1.
Variant type: single nucleotide variant.
Coding change: c.2510T>C on transcript NM_001271.4 (MANE Select); coding-DNA position 2510, T replaced by C.
Protein change: p.Leu837Pro; replaces leucine 837 with proline.
Molecular consequence: missense variant.
Genome position (GRCh38, 1-based): chr15:92,974,883, T>C. VCF-style: chr15-92974883-T-C. GRCh37 (hg19) VCF-style: chr15-93518113-T-C.
Other names: short protein forms L837P.
Identifiers: ClinVar variation 1495354 (VCV001495354.8), dbSNP rs2141839131, ClinGen allele CA393893481.